The following is an entry in ClinVar:

NM_000088.4(COL1A1):c.1259C>G (p.Pro420Arg)

Gene: COL1A1 (collagen type I alpha 1 chain; minus strand). Cytogenetic location: 17q21.33.
Variant type: single nucleotide variant.
Coding change: c.1259C>G on transcript NM_000088.4 (MANE Select); coding-DNA position 1259, C replaced by G.
Protein change: p.Pro420Arg; replaces proline 420 with arginine.
Molecular consequence: missense variant.
Genome position (GRCh38, 1-based): chr17:50,195,272, G>C on the plus strand (C>G on the coding strand, the complement: COL1A1 is on the minus strand). VCF-style: chr17-50195272-G-C. GRCh37 (hg19) VCF-style: chr17-48272633-G-C.
Other names: short protein forms P420R.
Identifiers: ClinVar variation 1762528 (VCV001762528.11), dbSNP rs1407160641, ClinGen allele CA400218728.

ClinVar aggregate classification (germline): Conflicting classifications of pathogenicity. Review status: criteria provided, conflicting classifications (1 of 4 stars). 5 submissions from 5 submitters: Uncertain significance (4); Likely benign (1). Last evaluated 2025-03-16.

Conditions:
Cardiovascular phenotype. Identifiers: MedGen CN230736.
Osteogenesis imperfecta type I (OI1). Also called: Lobstein disease; OI, TYPE I; OSTEOGENESIS IMPERFECTA TARDA; OSTEOGENESIS IMPERFECTA WITH BLUE SCLERAE; Osteogenesis imperfecta type 1; Lobstein's Disease. Identifiers: Orphanet 216796, Orphanet 666, MedGen C0023931, MONDO:0008146, OMIM 166200. Disease mechanism: loss of function.

Allele frequency attached by ClinVar (database versions not stated): TOPMed 0.00001; gnomAD exomes 0.00002.
gnomAD v4.1: 29 of 1,613,616 alleles (0.0018%); highest among the groups gnomAD compares: Non-Finnish European, 0.0022%; no homozygotes.

Submissions (5):

Labcorp Genetics (formerly Invitae), Labcorp
Classification: Likely benign for Osteogenesis imperfecta type I. Last evaluated: 2025-03-16. Review status: criteria provided, single submitter. Criteria: Invitae Variant Classification Sherloc (09022015). Collection method: clinical testing. Allele origin: germline.

ARUP Laboratories, Molecular Genetics and Genomics, ARUP Laboratories
Classification: Uncertain significance. Last evaluated: 2024-07-01. Review status: criteria provided, single submitter. Criteria: ARUP Molecular Germline Variant Investigation Process 2024. Collection method: clinical testing. Allele origin: germline.
Comment: The COL1A1 c.1259C>G; p.Pro420Arg variant (rs1407160641), to our knowledge, is not reported in the medical literature but is reported in ClinVar (Variation ID: 1762528). This variant is only observed on one allele in the Genome Aggregation Database (v2.1.1), indicating it is not a common polymorphism. Computational analyses predict that this variant is deleterious (REVEL: 0.739). However, given the lack of clinical and functional data, the significance of this variant is uncertain at this time.

Ambry Genetics
Classification: Uncertain significance for Cardiovascular phenotype. Last evaluated: 2024-05-24. Review status: criteria provided, single submitter. Criteria: Ambry Variant Classification Scheme 2023. Collection method: clinical testing. Allele origin: germline.
Comment: The p.P420R variant (also known as c.1259C>G), located in coding exon 19 of the COL1A1 gene, results from a C to G substitution at nucleotide position 1259. The proline at codon 420 is replaced by arginine, an amino acid with dissimilar properties. This amino acid position is well conserved in available vertebrate species. In addition, the in silico prediction for this alteration is inconclusive. Since supporting evidence is limited at this time, the clinical significance of this alteration remains unclear.

Blueprint Genetics
Classification: Uncertain significance. Last evaluated: 2024-02-07. Review status: criteria provided, single submitter. Criteria: ACMG Guidelines, 2015. Collection method: clinical testing. Allele origin: germline.

GeneDx
Classification: Uncertain significance. Last evaluated: 2023-12-20. Review status: criteria provided, single submitter. Criteria: GeneDx Variant Classification Process June 2021. Collection method: clinical testing. Allele origin: germline. Affected: yes.
Comment: Has not been previously published as pathogenic or benign to our knowledge; Not observed at significant frequency in large population cohorts (gnomAD); In silico analysis supports that this missense variant has a deleterious effect on protein structure/function; Occurs in the triple helical domain at the X position in the canonical Gly-X-Y repeat; although this variant may have an effect on normal protein folding and function, missense substitution at the X position is not a common mechanism of disease (HGMD)